The following is an entry in ClinVar:

NM_001128225.3(SLC39A13):c.216C>T (p.Leu72=)

Gene: SLC39A13 (solute carrier family 39 member 13; plus strand). Cytogenetic location: 11p11.2.
Variant type: single nucleotide variant.
Coding change: c.216C>T on transcript NM_001128225.3 (MANE Select); coding-DNA position 216, C replaced by T.
Protein change: p.Leu72=; no amino-acid change (leucine 72 retained).
Molecular consequence: synonymous variant. On other transcripts: non-coding transcript variant (1).
Genome position (GRCh38, 1-based): chr11:47,410,310, C>T. VCF-style: chr11-47410310-C-T. GRCh37 (hg19) VCF-style: chr11-47431861-C-T.
Other names: c.216C>T, p.Leu72= (NM_001330245.2, NM_152264.5).
Identifiers: ClinVar variation 513107 (VCV000513107.58), dbSNP rs34986695, ClinGen allele CA5975691.

ClinVar aggregate classification (germline): Benign/Likely benign. Review status: criteria provided, multiple submitters, no conflicts (2 of 4 stars). 7 submissions from 7 submitters: Benign (1); Likely benign (5). 1 of the submissions does not count toward it. Last evaluated 2026-02-02.

Conditions:
SLC39A13-related disorder. Also called: SLC39A13-related condition.
Ehlers-Danlos syndrome, spondylodysplastic type, 3. Also called: Ehlers-Danlos syndrome, spondylocheirodysplastic type. Identifiers: Orphanet 157965, MedGen C2676510, MONDO:0012873, OMIM 612350.

Allele frequency attached by ClinVar (database versions not stated): gnomAD 0.00211 and 0.00194; TOPMed 0.00250; gnomAD exomes 0.00018 and 0.00054; ExAC 0.00063; ESP Exome Variant Server 0.00146; 1000 Genomes Project 0.00160; 1000 Genomes Project 30x 0.00172.
gnomAD v4.1: 577 of 1,614,140 alleles (0.036%); highest among the groups gnomAD compares: African/African-American, 0.63%; 1 homozygote.

Submissions (7):

Labcorp Genetics (formerly Invitae), Labcorp
Classification: Benign for Ehlers-Danlos syndrome, spondylodysplastic type, 3. Last evaluated: 2026-02-02. Review status: criteria provided, single submitter. Criteria: Invitae Variant Classification Sherloc (09022015). Collection method: clinical testing. Allele origin: germline.

Women's Health and Genetics/Laboratory Corporation of America, LabCorp
Classification: Likely benign. Last evaluated: 2025-10-27. Review status: criteria provided, single submitter. Criteria: LabCorp Variant Classification Summary - May 2015. Collection method: clinical testing. Allele origin: germline.

Blueprint Genetics
Classification: Likely benign. Last evaluated: 2024-11-13. Review status: criteria provided, single submitter. Criteria: ACMG Guidelines, 2015. Collection method: clinical testing. Allele origin: germline.

GeneDx
Classification: Likely benign. Last evaluated: 2020-07-21. Review status: criteria provided, single submitter. Criteria: GeneDx Variant Classification Process June 2021. Collection method: clinical testing. Allele origin: germline. Affected: yes.

CeGaT Center for Human Genetics Tuebingen
Classification: Likely benign. Last evaluated: 2018-10-01. Review status: criteria provided, single submitter. Criteria: CeGaT Center For Human Genetics Tuebingen Variant Classification Criteria Version 2. Collection method: clinical testing. Allele origin: germline. Affected: yes. Observed: 1 variant allele.

Breakthrough Genomics
Classification: Likely benign. Review status: criteria provided, single submitter. Criteria: ACMG Guidelines, 2015. Collection method: not provided. Allele origin: germline. Inheritance: Autosomal recessive inheritance. Affected: yes.

PreventionGenetics, part of Exact Sciences
Classification: Benign for SLC39A13-related condition. Last evaluated: 2019-03-01. Review status: no assertion criteria provided. Collection method: clinical testing. Allele origin: germline. Not counted in ClinVar's aggregate classification.
Comment: This variant is classified as benign based on ACMG/AMP sequence variant interpretation guidelines (Richards et al. 2015 PMID: 25741868, with internal and published modifications).